The following is an entry in ClinVar:

ClinVar aggregate classification (germline): Uncertain significance (1 of 4 stars; one submission).

Conditions:
Baller-Gerold syndrome (BGS). Also called: CRANIOSYNOSTOSIS WITH RADIAL DEFECTS. Identifiers: Orphanet 1225, MedGen C0265308, MONDO:0009039, OMIM 218600.

Allele frequency attached by ClinVar (database versions not stated): gnomAD 0.00001; TOPMed 0.00001.
gnomAD v4.1: 7 of 1,608,730 alleles (0.00044%); highest among the groups gnomAD compares: Non-Finnish European, 0.00051%; no homozygotes.

Submission:

Labcorp Genetics (formerly Invitae), Labcorp
Classification: Uncertain significance for Baller-Gerold syndrome. Last evaluated: 2023-08-11. Review status: criteria provided, single submitter. Criteria: Invitae Variant Classification Sherloc (09022015). Collection method: clinical testing. Allele origin: germline.
Comment: In summary, the available evidence is currently insufficient to determine the role of this variant in disease. Therefore, it has been classified as a Variant of Uncertain Significance. Advanced modeling of protein sequence and biophysical properties (such as structural, functional, and spatial information, amino acid conservation, physicochemical variation, residue mobility, and thermodynamic stability) performed at Invitae indicates that this missense variant is not expected to disrupt RECQL4 protein function. ClinVar contains an entry for this variant (Variation ID: 933531). This variant has not been reported in the literature in individuals affected with RECQL4-related conditions. This variant is present in population databases (rs763975196, gnomAD 0.0009%). This sequence change replaces alanine, which is neutral and non-polar, with valine, which is neutral and non-polar, at codon 226 of the RECQL4 protein (p.Ala226Val).

NM_004260.4(RECQL4):c.677C>T (p.Ala226Val)

Gene: RECQL4 (RecQ like helicase 4; minus strand). Cytogenetic location: 8q24.3.
Variant type: single nucleotide variant.
Coding change: c.677C>T on transcript NM_004260.4 (MANE Select); coding-DNA position 677, C replaced by T.
Protein change: p.Ala226Val; replaces alanine 226 with valine.
Molecular consequence: missense variant.
Genome position (GRCh38, 1-based): chr8:144,516,442, G>A on the plus strand (C>T on the coding strand, the complement: RECQL4 is on the minus strand). VCF-style: chr8-144516442-G-A. GRCh37 (hg19) VCF-style: chr8-145741826-G-A.
Other names: short protein forms A226V.
Identifiers: ClinVar variation 933531 (VCV000933531.6), dbSNP rs763975196, ClinGen allele CA4949210.